The following is an entry in ClinVar:

NM_001130144.3(LTBP3):c.1846+6C>G

Gene: LTBP3 (latent transforming growth factor beta binding protein 3; minus strand). Cytogenetic location: 11q13.1.
Variant type: single nucleotide variant.
Coding change: c.1846+6C>G on transcript NM_001130144.3 (MANE Select); 6 bases into the intron after coding-DNA position 1846, C replaced by G.
Molecular consequence: intron variant.
Genome position (GRCh38, 1-based): chr11:65,547,914, G>C on the plus strand (C>G on the coding strand, the complement: LTBP3 is on the minus strand). VCF-style: chr11-65547914-G-C. GRCh37 (hg19) VCF-style: chr11-65315385-G-C.
Other names: c.1495+6C>G (NM_001164266.1); c.1846+6C>G (NM_021070.4).
Identifiers: ClinVar variation 859766 (VCV000859766.10), dbSNP rs760385371, ClinGen allele CA6100841.

ClinVar aggregate classification (germline): Conflicting classifications of pathogenicity. Review status: criteria provided, conflicting classifications (1 of 4 stars). 3 submissions from 3 submitters: Uncertain significance (1); Benign (1). 1 of the submissions does not count toward it. Last evaluated 2025-12-03.

Conditions:
LTBP3-related disorder. Also called: LTBP3-related condition.
Brachyolmia-amelogenesis imperfecta syndrome. Also called: PLATYSPONDYLY WITH AMELOGENESIS IMPERFECTA; Tooth agenesis, selective, 6; Dental anomalies and short stature. Identifiers: Orphanet 2899, MedGen C1832594, MONDO:0011018, OMIM 601216. Disease mechanism: loss of function.

Allele frequency attached by ClinVar (database versions not stated): TOPMed 0.00088.
gnomAD v4.1: 91 of 1,613,530 alleles (0.0056%); highest among the groups gnomAD compares: Admixed American, 0.11%; 1 homozygote.

Submissions (3):

Labcorp Genetics (formerly Invitae), Labcorp
Classification: Benign for Brachyolmia-amelogenesis imperfecta syndrome. Last evaluated: 2025-12-03. Review status: criteria provided, single submitter. Criteria: Invitae Variant Classification Sherloc (09022015). Collection method: clinical testing. Allele origin: germline.

Blueprint Genetics
Classification: Uncertain significance. Last evaluated: 2020-12-28. Review status: criteria provided, single submitter. Criteria: ACMG Guidelines, 2015. Collection method: clinical testing. Allele origin: germline.

PreventionGenetics, part of Exact Sciences
Classification: Likely benign for LTBP3-related condition. Last evaluated: 2022-06-15. Review status: no assertion criteria provided. Collection method: clinical testing. Allele origin: germline. Not counted in ClinVar's aggregate classification.
Comment: This variant is classified as likely benign based on ACMG/AMP sequence variant interpretation guidelines (Richards et al. 2015 PMID: 25741868, with internal and published modifications).